The following is an entry in ClinVar:

NM_001083961.2(WDR62):c.391-10C>T

Gene: WDR62 (WD repeat domain 62; plus strand). Cytogenetic location: 19q13.12.
Variant type: single nucleotide variant.
Coding change: c.391-10C>T on transcript NM_001083961.2 (MANE Select); 10 bases into the intron before coding-DNA position 391, C replaced by T.
Molecular consequence: intron variant.
Genome position (GRCh38, 1-based): chr19:36,066,247, C>T. VCF-style: chr19-36066247-C-T. GRCh37 (hg19) VCF-style: chr19-36557149-C-T.
Other names: c.391-10C>T (NM_173636.5).
Identifiers: ClinVar variation 670072 (VCV000670072.19), dbSNP rs201568145, ClinGen allele CA9395282.

ClinVar aggregate classification (germline): Conflicting classifications of pathogenicity. Review status: criteria provided, conflicting classifications (1 of 4 stars). 6 submissions from 6 submitters: Uncertain significance (2); Likely benign (3). 1 of the submissions does not count toward it. Last evaluated 2025-04-12.

Conditions:
Microcephaly 2, primary, autosomal recessive, with or without cortical malformations. Also called: WDR62 Primary Microcephaly; MICROCEPHALY 2, PRIMARY, AUTOSOMAL RECESSIVE, WITH CORTICAL MALFORMATIONS. Identifiers: Orphanet 2512, MedGen C1858535, MONDO:0011435, OMIM 604317.
WDR62-related disorder. Also called: WDR62-related condition.

Allele frequency attached by ClinVar (database versions not stated): gnomAD 0.00011 and 0.00013; ExAC 0.00012; TOPMed 0.00015; gnomAD exomes 0.00017; ESP Exome Variant Server 0.00023.

Submissions (6):

Labcorp Genetics (formerly Invitae), Labcorp
Classification: Likely benign. Last evaluated: 2025-04-12. Review status: criteria provided, single submitter. Criteria: Invitae Variant Classification Sherloc (09022015). Collection method: clinical testing. Allele origin: germline.

Blueprint Genetics
Classification: Likely benign. Last evaluated: 2024-06-26. Review status: criteria provided, single submitter. Criteria: ACMG Guidelines, 2015. Collection method: clinical testing. Allele origin: germline.

GeneDx
Classification: Likely benign. Last evaluated: 2020-12-10. Review status: criteria provided, single submitter. Criteria: GeneDx Variant Classification Process June 2021. Collection method: clinical testing. Allele origin: germline. Affected: yes.

Genetic Services Laboratory, University of Chicago
Classification: Uncertain significance. Last evaluated: 2019-02-19. Review status: criteria provided, single submitter. Criteria: ACMG Guidelines, 2015. Collection method: clinical testing. Allele origin: germline. Affected: no.

Illumina Laboratory Services, Illumina
Classification: Uncertain significance for Microcephaly 2, primary, autosomal recessive, with or without cortical malformations. Last evaluated: 2018-01-13. Review status: criteria provided, single submitter. Criteria: ICSL Variant Classification Criteria 13 December 2019. Collection method: clinical testing. Allele origin: germline.

PreventionGenetics, part of Exact Sciences
Classification: Likely benign for WDR62-related condition. Last evaluated: 2019-07-09. Review status: no assertion criteria provided. Collection method: clinical testing. Allele origin: germline. Not counted in ClinVar's aggregate classification.
Comment: This variant is classified as likely benign based on ACMG/AMP sequence variant interpretation guidelines (Richards et al. 2015 PMID: 25741868, with internal and published modifications).